The following is an entry in ClinVar:

ClinVar aggregate classification (germline): Uncertain significance (1 of 4 stars; one submission).

Conditions:
MTOR-related disorder. Also called: MTOR-related condition.

Submission:

PreventionGenetics, part of Exact Sciences
Classification: Uncertain significance for MTOR-related condition. Last evaluated: 2025-01-16. Review status: criteria provided, single submitter. Criteria: ACMG Guidelines, 2015. Collection method: clinical testing. Allele origin: germline.
Comment: The MTOR c.5373T>G variant is predicted to result in the amino acid substitution p.His1791Gln. To our knowledge, this variant has not been reported in the literature or in a large population database (gnomAD), indicating this variant is rare. An alternate nucleotide change affecting the same amino acid (p.His1791Arg) has been reported de novo in at least one individual with developmental disorders (Table S1, Kaplanis et al. 2020. PubMed ID: 33057194; Supplementary Data 3, Zhou et al. 2022. PubMed ID: 35982159). At this time, the clinical significance of this variant is uncertain due to the absence of conclusive functional and genetic evidence.

NM_004958.4(MTOR):c.5373T>G (p.His1791Gln)

Gene: MTOR (mechanistic target of rapamycin kinase; minus strand). Cytogenetic location: 1p36.22.
Variant type: single nucleotide variant.
Coding change: c.5373T>G on transcript NM_004958.4 (MANE Select); coding-DNA position 5373, T replaced by G.
Protein change: p.His1791Gln; replaces histidine 1791 with glutamine.
Molecular consequence: missense variant.
Genome position (GRCh38, 1-based): chr1:11,130,769, A>C on the plus strand (T>G on the coding strand, the complement: MTOR is on the minus strand). VCF-style: chr1-11130769-A-C. GRCh37 (hg19) VCF-style: chr1-11190826-A-C.
Other names: c.5373T>G, p.His1791Gln (NM_001386500.1); c.4125T>G, p.His1375Gln (NM_001386501.1); short protein forms H1791Q, H1375Q.
Identifiers: ClinVar variation 4999650 (VCV004999650.1).